The following is an entry in ClinVar:

NM_001958.5(EEF1A2):c.924C>T (p.Val308=)

Gene: EEF1A2 (eukaryotic translation elongation factor 1 alpha 2; minus strand). Cytogenetic location: 20q13.33.
Variant type: single nucleotide variant.
Coding change: c.924C>T on transcript NM_001958.5 (MANE Select); coding-DNA position 924, C replaced by T.
Protein change: p.Val308=; no amino-acid change (valine 308 retained).
Molecular consequence: synonymous variant.
Genome position (GRCh38, 1-based): chr20:63,490,584, G>A on the plus strand (C>T on the coding strand, the complement: EEF1A2 is on the minus strand). VCF-style: chr20-63490584-G-A. GRCh37 (hg19) VCF-style: chr20-62121937-G-A.
Identifiers: ClinVar variation 384477 (VCV000384477.34), dbSNP rs779912733, ClinGen allele CA9959004.

ClinVar aggregate classification (germline): Likely benign. Review status: criteria provided, multiple submitters, no conflicts (2 of 4 stars). 5 submissions from 5 submitters: Likely benign (5). Last evaluated 2025-10-14.

Conditions:
Inborn genetic diseases. Identifiers: MedGen C0950123, MeSH D030342.
Developmental and epileptic encephalopathy, 33 (DEE33). Also called: Epileptic encephalopathy, early infantile, 33. Identifiers: Orphanet 442835, MedGen C4225337, MONDO:0014625, OMIM 616409.

Allele frequency attached by ClinVar (database versions not stated): ExAC 0.00002; gnomAD 0.00002 and 0.00003; TOPMed 0.00002; gnomAD exomes 0.00005.
gnomAD v4.1: 41 of 1,612,676 alleles (0.0025%); highest among the groups gnomAD compares: East Asian, 0.018%; 1 homozygote.

Submissions (5):

Labcorp Genetics (formerly Invitae), Labcorp
Classification: Likely benign for Developmental and epileptic encephalopathy, 33. Last evaluated: 2025-10-14. Review status: criteria provided, single submitter. Criteria: Invitae Variant Classification Sherloc (09022015). Collection method: clinical testing. Allele origin: germline.

CeGaT Center for Human Genetics Tuebingen
Classification: Likely benign. Last evaluated: 2023-12-01. Review status: criteria provided, single submitter. Criteria: CeGaT Center For Human Genetics Tuebingen Variant Classification Criteria Version 2. Collection method: clinical testing. Allele origin: germline. Affected: yes. Observed: 1 variant allele.
Comment: EEF1A2: BP4, BP7

Blueprint Genetics
Classification: Likely benign. Last evaluated: 2023-11-28. Review status: criteria provided, single submitter. Criteria: ACMG Guidelines, 2015. Collection method: clinical testing. Allele origin: germline.

Ambry Genetics
Classification: Likely benign for Inborn genetic diseases. Last evaluated: 2018-01-19. Review status: criteria provided, single submitter. Criteria: Ambry Variant Classification Scheme 2023. Collection method: clinical testing. Allele origin: germline.

GeneDx
Classification: Likely benign. Last evaluated: 2017-05-01. Review status: criteria provided, single submitter. Criteria: GeneDx Variant Classification (06012015). Collection method: clinical testing. Allele origin: germline. Affected: yes.
Comment: This variant is considered likely benign or benign based on one or more of the following criteria: it is a conservative change, it occurs at a poorly conserved position in the protein, it is predicted to be benign by multiple in silico algorithms, and/or has population frequency not consistent with disease.